The following is an entry in ClinVar:

NM_001482.3(GATM):c.724_725del (p.Gly242fs)

Gene: GATM (glycine amidinotransferase; minus strand). Cytogenetic location: 15q21.1.
Variant type: Deletion.
Coding change: c.724_725del on transcript NM_001482.3 (MANE Select); coding-DNA positions 724 to 725, 2 bases deleted (GG; older notation c.724_725delGG).
Protein change: p.Gly242fs; shifts the reading frame from glycine 242.
Molecular consequence: frameshift variant.
Genome position (GRCh38, 1-based): chr15:45,366,459-45,366,460, CC deleted on the plus strand (GG on the coding strand, the reverse complement: GATM is on the minus strand); deleting any 2 consecutive bases within chr15:45,366,459-45,366,461 gives the same sequence; the c. name uses the placement nearest the transcript's 3' end. VCF-style (leftmost placement, unchanged base first): chr15-45366458-TCC-T. GRCh37 (hg19) VCF-style: chr15-45658656-TCC-T.
Other names: c.337_338del, p.Gly113fs (NM_001321015.2); short protein forms G242fs, G113fs.
Identifiers: ClinVar variation 1387616 (VCV001387616.6), dbSNP rs2140641896, ClinGen allele CA2573150754.

ClinVar aggregate classification (germline): Pathogenic (1 of 4 stars; one submission).

Conditions:
Arginine:glycine amidinotransferase deficiency (CCDS3). Also called: L-Arginine:Glycine Amidinotransferase (AGAT) Deficiency; Cerebral creatine deficiency syndrome 3; AGAT deficiency; L-Arginine:Glycine Amidinotransferase Deficiency; Creatine deficiency syndrome due to AGAT deficiency; GATM deficiency. Identifiers: Orphanet 35704, MedGen C2675179, MONDO:0012996, OMIM 612718.

Submission:

Labcorp Genetics (formerly Invitae), Labcorp
Classification: Pathogenic for Arginine:glycine amidinotransferase deficiency. Last evaluated: 2021-09-15. Review status: criteria provided, single submitter. Criteria: Invitae Variant Classification Sherloc (09022015). Collection method: clinical testing. Allele origin: germline.
Comment: For these reasons, this variant has been classified as Pathogenic. This sequence change creates a premature translational stop signal (p.Gly242Lysfs*6) in the GATM gene. It is expected to result in an absent or disrupted protein product. Loss-of-function variants in GATM are known to be pathogenic (PMID: 11555793). This variant is not present in population databases (ExAC no frequency). This variant has not been reported in the literature in individuals affected with GATM-related conditions. Algorithms developed to predict the effect of sequence changes on RNA splicing suggest that this variant may create or strengthen a splice site.

Literature cited by the submitters: PubMed 11555793.